The following is an entry in ClinVar:

ClinVar aggregate classification (germline): Benign/Likely benign. Review status: criteria provided, multiple submitters, no conflicts (2 of 4 stars). 3 submissions from 3 submitters: Benign (1); Likely benign (2). Last evaluated 2024-05-20.

Conditions:
Hereditary cancer-predisposing syndrome. Also called: Hereditary Cancer Syndrome; Neoplastic Syndromes, Hereditary; Tumor predisposition; Hereditary neoplastic syndrome. Identifiers: Orphanet 140162, MedGen C0027672, MeSH D009386, MONDO:0015356.
Ataxia-telangiectasia syndrome (AT). Also called: Ataxia telangiectasia (A-T); Ataxia-telangiectasia, complementation group E; LOUIS-BAR SYNDROME; Cerebello-oculocutaneous telangiectasia; Immunodeficiency with ataxia telangiectasia; Ataxia-telangiectasia, complementation group D. Identifiers: Orphanet 100, MedGen C0004135, MONDO:0008840, OMIM 208900.
Familial cancer of breast. Also called: Hereditary breast cancer; hereditary breast carcinoma; BREAST CANCER, FAMILIAL. Identifiers: Orphanet 227535, MedGen C0346153, MONDO:0016419, OMIM 114480. Disease mechanism: loss of function.

Submissions (3):

Myriad Genetics, Inc.
Classification: Benign for Familial cancer of breast. Last evaluated: 2024-05-20. Review status: criteria provided, single submitter. Criteria: Myriad Autosomal Dominant, Autosomal Recessive and X-Linked Classification Criteria (2023). Collection method: clinical testing. Allele origin: unknown.
Comment: This variant is considered benign. This variant is a silent/synonymous amino acid change and it is not expected to impact splicing.

Labcorp Genetics (formerly Invitae), Labcorp
Classification: Likely benign for Ataxia-telangiectasia syndrome. Last evaluated: 2023-05-02. Review status: criteria provided, single submitter. Criteria: Invitae Variant Classification Sherloc (09022015). Collection method: clinical testing. Allele origin: germline.

Ambry Genetics
Classification: Likely benign for Hereditary cancer-predisposing syndrome. Last evaluated: 2015-03-16. Review status: criteria provided, single submitter. Criteria: Ambry Variant Classification Scheme 2023. Collection method: clinical testing. Allele origin: germline.

NM_000051.4(ATM):c.4624T>C (p.Leu1542=)

Gene: ATM (ATM serine/threonine kinase; plus strand). Cytogenetic location: 11q22.3.
Variant type: single nucleotide variant.
Coding change: c.4624T>C on transcript NM_000051.4 (MANE Select); coding-DNA position 4624, T replaced by C.
Protein change: p.Leu1542=; no amino-acid change (leucine 1542 retained).
Molecular consequence: synonymous variant.
Genome position (GRCh38, 1-based): chr11:108,293,325, T>C. VCF-style: chr11-108293325-T-C. GRCh37 (hg19) VCF-style: chr11-108164052-T-C.
Other names: c.4624T>C, p.Leu1542= (NM_001351834.2).
Identifiers: ClinVar variation 230890 (VCV000230890.14), dbSNP rs876658826, ClinGen allele CA10579157.